The following is an entry in ClinVar:

NM_001369.3(DNAH5):c.5382_5383insTTTGCGGCTGCCTGGC (p.Glu1795fs)

Gene: DNAH5 (dynein axonemal heavy chain 5; minus strand). Cytogenetic location: 5p15.2.
Variant type: Insertion.
Coding change: c.5382_5383insTTTGCGGCTGCCTGGC on transcript NM_001369.3 (MANE Select); coding-DNA positions 5382 to 5383, TTTGCGGCTGCCTGGC inserted.
Protein change: p.Glu1795fs; shifts the reading frame from glutamic acid 1795.
Molecular consequence: frameshift variant.
Genome position: GRCh38 VCF-style: chr5-13841793-C-CGCCAGGCAGCCGCAAA. GRCh37 (hg19) VCF-style: chr5-13841902-C-CGCCAGGCAGCCGCAAA.
Other names: short protein forms E1795fs.
Identifiers: ClinVar variation 5010839 (VCV005010839.1).

ClinVar aggregate classification (germline): Pathogenic (1 of 4 stars; one submission).

Conditions:
Primary ciliary dyskinesia 3. Identifiers: Orphanet 244, MedGen C1837618, MONDO:0012085, OMIM 608644.

Submission:

Myriad Genetics, Inc.
Classification: Pathogenic for Primary ciliary dyskinesia 3. Last evaluated: 2024-05-14. Review status: criteria provided, single submitter. Criteria: Myriad Autosomal Dominant, Autosomal Recessive and X-Linked Classification Criteria (2023). Collection method: clinical testing. Allele origin: unknown.
Comment: NM_001369.2(DNAH5):c.5382_5383ins16(E1795Ffs*31) is expected to be pathogenic in the context of primary ciliary dyskinesia, DNAH5-related. This variant is predicted to lead to an abnormal or absent protein product due to the creation of a premature termination codon in DNAH5, a gene where loss-of-function variants are known to be pathogenic. Please note: this variant was assessed in the context of healthy population screening.